The following is an entry in ClinVar:

ClinVar aggregate classification (germline): Uncertain significance (1 of 4 stars; one submission).

gnomAD v4.1: 53 of 1,613,958 alleles (0.0033%); highest among the groups gnomAD compares: Non-Finnish European, 0.0044%; no homozygotes.

Submission:

Labcorp Genetics (formerly Invitae), Labcorp
Classification: Uncertain significance. Last evaluated: 2026-01-13. Review status: criteria provided, single submitter. Criteria: Invitae Variant Classification Sherloc (09022015). Collection method: clinical testing. Allele origin: germline.
Comment: This sequence change replaces glycine, which is neutral and non-polar, with arginine, which is basic and polar, at codon 120 of the ALPK1 protein (p.Gly120Arg). This variant is not present in population databases (gnomAD no frequency). This variant has not been reported in the literature in individuals affected with ALPK1-related conditions. Invitae Evidence Modeling of protein sequence and biophysical properties (such as structural, functional, and spatial information, amino acid conservation, physicochemical variation, residue mobility, and thermodynamic stability) indicates that this missense variant is not expected to disrupt ALPK1 protein function with a negative predictive value of 80%. In summary, the available evidence is currently insufficient to determine the role of this variant in disease. Therefore, it has been classified as a Variant of Uncertain Significance.

NM_025144.4(ALPK1):c.358G>C (p.Gly120Arg)

Gene: ALPK1 (alpha kinase 1; plus strand). Cytogenetic location: 4q25.
Variant type: single nucleotide variant.
Coding change: c.358G>C on transcript NM_025144.4 (MANE Select); coding-DNA position 358, G replaced by C.
Protein change: p.Gly120Arg; replaces glycine 120 with arginine.
Molecular consequence: missense variant.
Genome position (GRCh38, 1-based): chr4:112,411,908, G>C. VCF-style: chr4-112411908-G-C. GRCh37 (hg19) VCF-style: chr4-113333064-G-C.
Other names: c.358G>C, p.Gly120Arg (NM_001102406.2); c.124G>C, p.Gly42Arg (NM_001253884.2); short protein forms G42R, G120R.
Identifiers: ClinVar variation 4703937 (VCV004703937.1).